The following is an entry in ClinVar:

NM_001621.5(AHR):c.1243G>A (p.Glu415Lys)

Gene: AHR (aryl hydrocarbon receptor; plus strand). Cytogenetic location: 7p21.1.
Variant type: single nucleotide variant.
Coding change: c.1243G>A on transcript NM_001621.5 (MANE Select); coding-DNA position 1243, G replaced by A.
Protein change: p.Glu415Lys; replaces glutamic acid 415 with lysine.
Molecular consequence: missense variant.
Genome position (GRCh38, 1-based): chr7:17,339,068, G>A. VCF-style: chr7-17339068-G-A. GRCh37 (hg19) VCF-style: chr7-17378692-G-A.
Other names: short protein forms E415K.
Identifiers: ClinVar variation 962570 (VCV000962570.8), dbSNP rs1045022463, ClinGen allele CA154119864.

ClinVar aggregate classification (germline): Uncertain significance. Review status: criteria provided, multiple submitters, no conflicts (2 of 4 stars). 2 submissions from 2 submitters: Uncertain significance (2). Last evaluated 2025-03-06.

Allele frequency attached by ClinVar (database versions not stated): gnomAD exomes below 0.00001 and 0.00001; gnomAD 0.00001; TOPMed 0.00001.

Submissions (2):

Ambry Genetics
Classification: Uncertain significance. Last evaluated: 2025-03-06. Review status: criteria provided, single submitter. Criteria: Ambry Variant Classification Scheme 2023. Collection method: clinical testing. Allele origin: germline.

Labcorp Genetics (formerly Invitae), Labcorp
Classification: Uncertain significance. Last evaluated: 2019-11-13. Review status: criteria provided, single submitter. Criteria: Invitae Variant Classification Sherloc (09022015). Collection method: clinical testing. Allele origin: germline.
Comment: In summary, the available evidence is currently insufficient to determine the role of this variant in disease. Therefore, it has been classified as a Variant of Uncertain Significance. Algorithms developed to predict the effect of missense changes on protein structure and function are either unavailable or do not agree on the potential impact of this missense change (SIFT: "Tolerated"; PolyPhen-2: "Possibly Damaging"; Align-GVGD: "Class C0"). This variant has not been reported in the literature in individuals with AHR-related conditions. This variant is not present in population databases (ExAC no frequency). This sequence change replaces glutamic acid with lysine at codon 415 of the AHR protein (p.Glu415Lys). The glutamic acid residue is highly conserved and there is a small physicochemical difference between glutamic acid and lysine.